The following is an entry in ClinVar:

ClinVar aggregate classification (germline): Likely benign (1 of 4 stars; one submission).

Submission:

CeGaT Center for Human Genetics Tuebingen
Classification: Likely benign. Last evaluated: 2026-09-01. Review status: criteria provided, single submitter. Criteria: CeGaT Center For Human Genetics Tuebingen Variant Classification Criteria Version 2. Collection method: clinical testing. Allele origin: germline. Affected: yes. Observed: 2 variant alleles.
Comment: WDR5: BP4, BP7

NM_017588.3(WDR5):c.417C>A (p.Pro139=)

Gene: WDR5 (WD repeat domain 5; plus strand). Cytogenetic location: 9q34.2.
Variant type: single nucleotide variant.
Coding change: c.417C>A on transcript NM_017588.3 (MANE Select); coding-DNA position 417, C replaced by A.
Protein change: p.Pro139=; no amino-acid change (proline 139 retained).
Molecular consequence: synonymous variant.
Genome position (GRCh38, 1-based): chr9:134,142,395, C>A. VCF-style: chr9-134142395-C-A. GRCh37 (hg19) VCF-style: chr9-137007517-C-A.
Other names: c.417C>A, p.Pro139= (NM_001384409.1, NM_001384410.1, NM_001384411.1 and 6 more transcripts); c.408C>A, p.Pro136= (NM_001384417.1); c.288C>A, p.Pro96= (NM_001384418.1, NM_001384419.1).
Identifiers: ClinVar variation 4872569 (VCV004872569.2).
Genomic context (GRCh38, chr9:134,142,395, plus strand): 5'-CAAGTGTCTGAAAACCCTGAAGGGACACAGTAATTATGTCTTTTGCTGCAACTTCAATCC[C>A]CAGTCCAACCTTATTGTCTCAGGATCCGTAAGTGTGGCTGGGGTGTCTTCCCTGGGGGAG-3'
Protein context (NP_060058.1, residues 129-149): SNYVFCCNFN[Pro139=]QSNLIVSGSF